The following is an entry in ClinVar:

ClinVar aggregate classification (germline): Conflicting classifications of pathogenicity. Review status: criteria provided, conflicting classifications (1 of 4 stars). 2 submissions from 2 submitters: Likely pathogenic (1); Uncertain significance (1). Last evaluated 2024-05-17.

Conditions:
Hypertrophic cardiomyopathy. Also called: HYPERTROPHIC MYOCARDIOPATHY. Identifiers: Orphanet 217569, MedGen C0007194, MeSH D002312, MONDO:0005045, HP:0001639.

Submissions (2):

All of Us Research Program, National Institutes of Health
Classification: Uncertain significance for Hypertrophic cardiomyopathy. Last evaluated: 2024-05-17. Review status: criteria provided, single submitter. Criteria: ACMG Guidelines, 2015. Collection method: clinical testing. Allele origin: germline. Inheritance: Autosomal dominant inheritance. Observed: 2 variant alleles, 2 heterozygotes.
Comment: This variant causes a T to A nucleotide substitution at the +2 position of intron 5 of the TNNI3 gene. Splice site prediction tools predict that this variant may have a significant impact on RNA splicing. Although this prediction has not been confirmed in published RNA studies, this variant is expected to result in an absent or disrupted protein product. To our knowledge, functional studies have not been reported for this variant. This variant has not been reported in individuals affected with TNNI3-related disorders in the literature. This variant has not been identified in the general population by the Genome Aggregation Database (gnomAD). Clinical relevance of loss-of-function TNNI3 splice site and truncation variants in autosomal dominant cardiovascular disorders is not clearly established. The available evidence is insufficient to determine the role of this variant in disease conclusively. Therefore, this variant is classified as a Variant of Uncertain Significance.

This study involves interpretation of variants in research participants for the purpose of population health screening. Participant phenotype was not available at the time of variant classification. Additional details can be found in publication PMID: 35346344, PMCID: PMC8962531

Labcorp Genetics (formerly Invitae), Labcorp
Classification: Likely pathogenic for Hypertrophic cardiomyopathy. Last evaluated: 2024-04-17. Review status: criteria provided, single submitter. Criteria: Invitae Variant Classification Sherloc (09022015). Collection method: clinical testing. Allele origin: germline.
Comment: This sequence change affects a donor splice site in intron 5 of the TNNI3 gene. It is expected to disrupt RNA splicing. Variants that disrupt the donor or acceptor splice site typically lead to a loss of protein function (PMID: 16199547), and loss-of-function variants in TNNI3 are known to be pathogenic (PMID: 31568572, 34036930, 35838873). This variant is not present in population databases (gnomAD no frequency). This variant has not been reported in the literature in individuals affected with TNNI3-related conditions. ClinVar contains an entry for this variant (Variation ID: 853502). Algorithms developed to predict the effect of sequence changes on RNA splicing suggest that this variant may disrupt the consensus splice site. In summary, the currently available evidence indicates that the variant is pathogenic, but additional data are needed to prove that conclusively. Therefore, this variant has been classified as Likely Pathogenic.

Literature cited by the submitters: PubMed 16199547 (cited by Labcorp Genetics (formerly Invitae), Labcorp); PubMed 31568572 (cited by Labcorp Genetics (formerly Invitae), Labcorp); PubMed 34036930 (cited by Labcorp Genetics (formerly Invitae), Labcorp); PubMed 35838873 (cited by Labcorp Genetics (formerly Invitae), Labcorp).

NM_000363.5(TNNI3):c.282+2T>A

Gene: TNNI3 (troponin I3, cardiac type; minus strand). Cytogenetic location: 19q13.42.
Variant type: single nucleotide variant.
Coding change: c.282+2T>A on transcript NM_000363.5 (MANE Select); the canonical splice donor site of the intron after coding-DNA position 282, T replaced by A.
Molecular consequence: splice donor variant.
Genome position (GRCh38, 1-based): chr19:55,156,199, A>T on the plus strand (T>A on the coding strand, the complement: TNNI3 is on the minus strand). VCF-style: chr19-55156199-A-T. GRCh37 (hg19) VCF-style: chr19-55667567-A-T.
Identifiers: ClinVar variation 853502 (VCV000853502.10), dbSNP rs2085728001, ClinGen allele CA407441649.